The following is an entry in ClinVar:

ClinVar aggregate classification (germline): Uncertain significance (1 of 4 stars; one submission).

Submission:

Labcorp Genetics (formerly Invitae), Labcorp
Classification: Uncertain significance. Last evaluated: 2022-05-11. Review status: criteria provided, single submitter. Criteria: Invitae Variant Classification Sherloc (09022015). Collection method: clinical testing. Allele origin: germline.
Comment: In summary, the available evidence is currently insufficient to determine the role of this variant in disease. Therefore, it has been classified as a Variant of Uncertain Significance. Advanced modeling of protein sequence and biophysical properties (such as structural, functional, and spatial information, amino acid conservation, physicochemical variation, residue mobility, and thermodynamic stability) performed at Invitae indicates that this missense variant is not expected to disrupt ABCC6 protein function. This variant has not been reported in the literature in individuals affected with ABCC6-related conditions. This variant is not present in population databases (gnomAD no frequency). This sequence change replaces aspartic acid, which is acidic and polar, with tyrosine, which is neutral and polar, at codon 616 of the ABCC6 protein (p.Asp616Tyr).

NM_001171.6(ABCC6):c.1846G>T (p.Asp616Tyr)

Gene: ABCC6 (ATP binding cassette subfamily C member 6; minus strand). Cytogenetic location: 16p13.11.
Variant type: single nucleotide variant.
Coding change: c.1846G>T on transcript NM_001171.6 (MANE Select); coding-DNA position 1846, G replaced by T.
Protein change: p.Asp616Tyr; replaces aspartic acid 616 with tyrosine.
Molecular consequence: missense variant. On other transcripts: non-coding transcript variant (1).
Genome position (GRCh38, 1-based): chr16:16,187,145, C>A on the plus strand (G>T on the coding strand, the complement: ABCC6 is on the minus strand). VCF-style: chr16-16187145-C-A. GRCh37 (hg19) VCF-style: chr16-16281002-C-A.
Other names: c.1504G>T, p.Asp502Tyr (NM_001351800.1); short protein forms D502Y, D616Y.
Identifiers: ClinVar variation 1897579 (VCV001897579.5), dbSNP rs2511011082, ClinGen allele CA394889084.